The following is an entry in ClinVar:

NM_006118.4(HAX1):c.683C>T (p.Thr228Ile)

Gene: HAX1 (HCLS1 associated protein X-1; plus strand). Cytogenetic location: 1q21.3.
Variant type: single nucleotide variant.
Coding change: c.683C>T on transcript NM_006118.4 (MANE Select); coding-DNA position 683, C replaced by T.
Protein change: p.Thr228Ile; replaces threonine 228 with isoleucine.
Molecular consequence: missense variant.
Genome position (GRCh38, 1-based): chr1:154,275,412, C>T. VCF-style: chr1-154275412-C-T. GRCh37 (hg19) VCF-style: chr1-154247888-C-T.
Other names: c.539C>T, p.Thr180Ile (NM_001018837.2); short protein forms T228I, T180I.
Identifiers: ClinVar variation 4033860 (VCV004033860.1).

ClinVar aggregate classification (germline): Uncertain significance (1 of 4 stars; one submission).

Conditions:
Inborn genetic diseases. Identifiers: MedGen C0950123, MeSH D030342.

Submission:

Ambry Genetics
Classification: Uncertain significance for Inborn genetic diseases. Last evaluated: 2025-05-15. Review status: criteria provided, single submitter. Criteria: Ambry Variant Classification Scheme 2023. Collection method: clinical testing. Allele origin: germline.
Comment: The p.T228I variant (also known as c.683C>T), located in coding exon 6 of the HAX1 gene, results from a C to T substitution at nucleotide position 683. The threonine at codon 228 is replaced by isoleucine, an amino acid with similar properties. This amino acid position is conserved. In addition, this alteration is predicted to be deleterious by in silico analysis. Based on the available evidence, the clinical significance of this variant remains unclear.